The following is an entry in ClinVar:

ClinVar aggregate classification (germline): Uncertain significance (1 of 4 stars; one submission).

Conditions:
Developmental and epileptic encephalopathy, 8 (DEE8). Also called: HYPEREKPLEXIA AND EPILEPSY. Identifiers: Orphanet 163985, Orphanet 2076, MedGen C1845102, MONDO:0010375, OMIM 300607.

Allele frequency attached by ClinVar (database versions not stated): gnomAD exomes below 0.00001.
gnomAD v4.1: 2 of 1,164,929 alleles (0.00017%); highest among the groups gnomAD compares: South Asian, 0.0019%; no homozygotes.

Submission:

Labcorp Genetics (formerly Invitae), Labcorp
Classification: Uncertain significance for Developmental and epileptic encephalopathy, 8. Last evaluated: 2023-01-21. Review status: criteria provided, single submitter. Criteria: Invitae Variant Classification Sherloc (09022015). Collection method: clinical testing. Allele origin: germline.
Comment: In summary, the available evidence is currently insufficient to determine the role of this variant in disease. Therefore, it has been classified as a Variant of Uncertain Significance. Experimental studies and prediction algorithms are not available or were not evaluated, and the effect of this variant on mRNA splicing is currently unknown. This variant has not been reported in the literature in individuals affected with ARHGEF9-related conditions. This variant is not present in population databases (gnomAD no frequency). This sequence change falls in intron 1 of the ARHGEF9 gene. It does not directly change the encoded amino acid sequence of the ARHGEF9 protein. The ARHGEF9 gene has multiple clinically relevant transcripts. This variant occurs in alternate transcript NM_001173479.1, and corresponds to NM_015185.2:c.-30788C>T in the primary transcript.

NM_001353921.2(ARHGEF9):c.30+16C>T

Gene: ARHGEF9 (Cdc42 guanine nucleotide exchange factor 9; minus strand). Cytogenetic location: Xq11.1.
Variant type: single nucleotide variant.
Coding change: c.30+16C>T on transcript NM_001353921.2 (MANE Select); 16 bases into the intron after coding-DNA position 30, C replaced by T.
Molecular consequence: intron variant.
Genome position (GRCh38, 1-based): chrX:63,785,100, G>A on the plus strand (C>T on the coding strand, the complement: ARHGEF9 is on the minus strand). VCF-style: chrX-63785100-G-A. GRCh37 (hg19) VCF-style: chrX-63004980-G-A.
Other names: c.30+16C>T (NM_001173479.2, NM_001353922.2); c.-132+16C>T (NM_001369043.1, NM_001330495.2).
Identifiers: ClinVar variation 2879216 (VCV002879216.3), dbSNP rs2520345155, ClinGen allele CA2693909095.